The following is an entry in ClinVar:

ClinVar aggregate classification (germline): Conflicting classifications of pathogenicity. Review status: criteria provided, conflicting classifications (1 of 4 stars). 7 submissions from 7 submitters: Uncertain significance (5); Likely benign (2). Last evaluated 2026-03-17.

Conditions:
CBL-related disorder. Also called: CBL MUTATION-ASSOCIATED SYNDROME; CBL SYNDROME; NOONAN SYNDROME-LIKE DISORDER WITHOUT JUVENILE MYELOMONOCYTIC LEUKEMIA. Identifiers: Orphanet 363972, MedGen C3150803, MONDO:0013308, OMIM 613563.
Cardiovascular phenotype. Identifiers: MedGen CN230736.
Growth failure in early childhood.
RASopathy. Also called: rasopathies; Noonan spectrum disorder. Identifiers: Orphanet 536391, MedGen C5555857, MONDO:0021060.

Allele frequency attached by ClinVar (database versions not stated): gnomAD exomes 0.00002 and 0.00006; TOPMed 0.00003; gnomAD 0.00005; ESP Exome Variant Server 0.00015; ExAC 0.00002.
gnomAD v4.1: 102 of 1,614,030 alleles (0.0063%); highest among the groups gnomAD compares: Non-Finnish European, 0.0078%; no homozygotes.

Submissions (7):

Ambry Genetics
Classification: Uncertain significance for Cardiovascular phenotype. Last evaluated: 2026-03-17. Review status: criteria provided, single submitter. Criteria: Ambry Variant Classification Scheme 2023. Collection method: clinical testing. Allele origin: germline.
Comment: The p.R575G variant (also known as c.1723A>G), located in coding exon 11 of the CBL gene, results from an A to G substitution at nucleotide position 1723. The arginine at codon 575 is replaced by glycine, an amino acid with dissimilar properties. This amino acid position is highly conserved in available vertebrate species. In addition, this alteration is predicted to be deleterious by in silico analysis. Based on the available evidence, the clinical significance of this variant remains unclear.

Labcorp Genetics (formerly Invitae), Labcorp
Classification: Likely benign for RASopathy. Last evaluated: 2025-11-17. Review status: criteria provided, single submitter. Criteria: Invitae Variant Classification Sherloc (09022015). Collection method: clinical testing. Allele origin: germline.

Women's Health and Genetics/Laboratory Corporation of America, LabCorp
Classification: Likely benign. Last evaluated: 2025-01-07. Review status: criteria provided, single submitter. Criteria: LabCorp Variant Classification Summary - May 2015. Collection method: clinical testing. Allele origin: germline.
Comment: Variant summary: CBL c.1723A>G (p.Arg575Gly) results in a non-conservative amino acid change in the encoded protein sequence. Three of five in-silico tools predict a benign effect of the variant on protein function. The variant allele was found at a frequency of 6.3e-05 in 1614030 control chromosomes. The observed variant frequency is approximately 25.28 fold of the estimated maximal expected allele frequency for a pathogenic variant in CBL causing Noonan Syndrome And Related Conditions phenotype (2.5e-06). To our knowledge, no occurrence of c.1723A>G in individuals affected with Noonan Syndrome And Related Conditions and no experimental evidence demonstrating its impact on protein function have been reported. ClinVar contains an entry for this variant (Variation ID: 40413). Based on the evidence outlined above, the variant was classified as likely benign.

Cambridge Genomics Laboratory, East Genomic Laboratory Hub, NHS Genomic Medicine Service
Classification: Uncertain significance for Growth failure in early childhood. Last evaluated: 2024-09-10. Review status: criteria provided, single submitter. Criteria: ACGS Best Practice Guidelines for Variant Classification in Rare Disease 2020. Collection method: clinical testing. Allele origin: germline. Affected: yes.

St. Jude Molecular Pathology, St. Jude Children's Research Hospital
Classification: Uncertain significance for CBL-related disorder. Last evaluated: 2023-06-21. Review status: criteria provided, single submitter. Criteria: St. Jude Assertion Criteria 2020. Collection method: clinical testing. Allele origin: germline.
Comment: The CBL c.1723A>G (p.Arg575Gly) missense change has a maximum subpopulation frequency of 0.0040% in gnomAD v2.1.1. The in silico tool REVEL is inconclusive about a pathogenic or benign effect of this variant on protein function, and to our knowledge functional studies have not been performed. The variant has been identified in 1 of 1358 control individuals collected as part of non-cancer studies (PMID: 29641532). To our knowledge, this variant has not been reported in individuals with juvenile myelomonocytic leukemia or features consistent with a Noonan syndrome-like disorder. In summary, the evidence currently available is insufficient to determine the clinical significance of this variant. It has therefore been classified as of uncertain significance.

Genetic Services Laboratory, University of Chicago
Classification: Uncertain significance. Last evaluated: 2021-04-12. Review status: criteria provided, single submitter. Criteria: ACMG Guidelines, 2015. Collection method: clinical testing. Allele origin: germline. Affected: no.
Comment: DNA sequence analysis of the CBL gene demonstrated a sequence change, c.1723A>G, in exon 11 that results in an amino acid change, p.Arg575Gly. This sequence change has been described in gnomAD with frequency of 0.004% in the African sub-population (dbSNP rs374515645). The p.Arg575Gly change affects a moderately conserved amino acid residue located in a domain of the CBL protein that is known to be functional. In-silico pathogenicity prediction tools (SIFT, PolyPhen2, Align GVGD, REVEL) provide contradictory results for the p.Arg575Gly substitution. This sequence change does not appear to have been previously described in patients with CBL-related disorders. Due to the lack of sufficient evidences, the clinical significance of the p.Arg575Gly change remains unknown at this time.

GeneDx
Classification: Uncertain significance. Last evaluated: 2018-04-19. Review status: criteria provided, single submitter. Criteria: GeneDx Variant Classification (06012015). Collection method: clinical testing. Allele origin: germline. Affected: yes.
Comment: The R575G variant has not been published as a pathogenic variant, nor has it been reported as a benign variant to our knowledge. The R575G variant is observed in 6/277186 (0.0022%) alleles in large population cohorts (Lek et al., 2016). The R575G variant is a non-conservative amino acid substitution, which is likely to impact secondary protein structure as these residues differ in polarity, charge, size and/or other properties. In-silico analyses, including protein predictors and evolutionary conservation, support that this variant does not alter protein structure/function. In summary, based on the currently available information, it is unclear whether this variant is a pathogenic variant or a rare benign variant.

NM_005188.4(CBL):c.1723A>G (p.Arg575Gly)

Gene: CBL (Cbl proto-oncogene; plus strand). Cytogenetic location: 11q23.3.
Variant type: single nucleotide variant.
Coding change: c.1723A>G on transcript NM_005188.4 (MANE Select); coding-DNA position 1723, A replaced by G.
Protein change: p.Arg575Gly; replaces arginine 575 with glycine.
Molecular consequence: missense variant.
Genome position (GRCh38, 1-based): chr11:119,285,348, A>G. VCF-style: chr11-119285348-A-G. GRCh37 (hg19) VCF-style: chr11-119156058-A-G.
Other names: p.R575G:AGA>GGA; short protein forms R575G.
Identifiers: ClinVar variation 40413 (VCV000040413.16), dbSNP rs374515645, ClinGen allele CA282031.
Genomic context (GRCh38, chr11:119,285,348, plus strand): 5'-GGAGCAGAATCCCGACCTCAAAGACGCCCCTTGCCTTGTACACCAGGCGACTGTCCCTCC[A>G]GAGACAAACTGCCCCCTGTCCCCTCTAGCCGCCTTGGAGACTCATGGCTGCCCCGGCCAA-3'
Protein context (NP_005179.2, residues 565-585): LPCTPGDCPS[Arg575Gly]DKLPPVPSSR